The following is an entry in ClinVar:

ClinVar aggregate classification (germline): Uncertain significance (1 of 4 stars; one submission).

Conditions:
Myofibrillar myopathy 6. Identifiers: Orphanet 199340, MedGen C2751831, MONDO:0013061, OMIM 612954.
Dilated cardiomyopathy 1HH (CMD1HH). Identifiers: Orphanet 154, MedGen C3151293, MONDO:0013479, OMIM 613881.

Submission:

Labcorp Genetics (formerly Invitae), Labcorp
Classification: Uncertain significance for Dilated cardiomyopathy 1HH; Myofibrillar myopathy 6. Last evaluated: 2024-11-16. Review status: criteria provided, single submitter. Criteria: Invitae Variant Classification Sherloc (09022015). Collection method: clinical testing. Allele origin: germline.
Comment: This sequence change replaces leucine, which is neutral and non-polar, with glutamine, which is neutral and polar, at codon 463 of the BAG3 protein (p.Leu463Gln). This variant is not present in population databases (gnomAD no frequency). This variant has not been reported in the literature in individuals affected with BAG3-related conditions. Invitae Evidence Modeling of protein sequence and biophysical properties (such as structural, functional, and spatial information, amino acid conservation, physicochemical variation, residue mobility, and thermodynamic stability) indicates that this missense variant is expected to disrupt BAG3 protein function with a positive predictive value of 80%. In summary, the available evidence is currently insufficient to determine the role of this variant in disease. Therefore, it has been classified as a Variant of Uncertain Significance.

NM_004281.4(BAG3):c.1388T>A (p.Leu463Gln)

Gene: BAG3 (BAG cochaperone 3; plus strand). Cytogenetic location: 10q26.11.
Variant type: single nucleotide variant.
Coding change: c.1388T>A on transcript NM_004281.4 (MANE Select); coding-DNA position 1388, T replaced by A.
Protein change: p.Leu463Gln; replaces leucine 463 with glutamine.
Molecular consequence: missense variant.
Genome position (GRCh38, 1-based): chr10:119,676,942, T>A. VCF-style: chr10-119676942-T-A. GRCh37 (hg19) VCF-style: chr10-121436454-T-A.
Other names: short protein forms L463Q.
Identifiers: ClinVar variation 3757293 (VCV003757293.2).
Genomic context (GRCh38, chr10:119,676,942, plus strand): 5'-AAGGCAAGAAGACTGACAAAAAGTACCTGATGATCGAAGAGTATTTGACCAAAGAGCTGC[T>A]GGCCCTGGATTCAGTGGACCCCGAGGGACGAGCCGATGTGCGTCAGGCCAGGAGAGACGG-3'
Protein context (NP_004272.2, residues 453-473): MIEEYLTKEL[Leu463Gln]ALDSVDPEGR